The following is an entry in ClinVar:

ClinVar aggregate classification (germline): Uncertain significance (1 of 4 stars; one submission).

Conditions:
Epidermodysplasia verruciformis. Identifiers: Orphanet 302, MedGen C0014522, MONDO:0009176.

Allele frequency attached by ClinVar (database versions not stated): gnomAD exomes below 0.00001.
gnomAD v4.1: 2 of 1,569,942 alleles (0.00013%); highest among the groups gnomAD compares: South Asian, 0.0023%; no homozygotes.

Submission:

Labcorp Genetics (formerly Invitae), Labcorp
Classification: Uncertain significance for Epidermodysplasia verruciformis. Last evaluated: 2023-04-11. Review status: criteria provided, single submitter. Criteria: Invitae Variant Classification Sherloc (09022015). Collection method: clinical testing. Allele origin: germline.
Comment: The frequency data for this variant in the population databases is considered unreliable, as metrics indicate poor data quality at this position in the gnomAD database. This sequence change replaces proline, which is neutral and non-polar, with serine, which is neutral and polar, at codon 677 of the TMC6 protein (p.Pro677Ser). This variant has not been reported in the literature in individuals affected with TMC6-related conditions. In summary, the available evidence is currently insufficient to determine the role of this variant in disease. Therefore, it has been classified as a Variant of Uncertain Significance. An algorithm developed to predict the effect of missense changes on protein structure and function (PolyPhen-2) suggests that this variant is likely to be disruptive.

NM_001127198.5(TMC6):c.2029C>T (p.Pro677Ser)

Gene: TMC6 (transmembrane channel like 6; minus strand). Cytogenetic location: 17q25.3.
Variant type: single nucleotide variant.
Coding change: c.2029C>T on transcript NM_001127198.5 (MANE Select); coding-DNA position 2029, C replaced by T.
Protein change: p.Pro677Ser; replaces proline 677 with serine.
Molecular consequence: missense variant. On other transcripts: non-coding transcript variant (4).
Genome position (GRCh38, 1-based): chr17:78,117,637, G>A on the plus strand (C>T on the coding strand, the complement: TMC6 is on the minus strand). VCF-style: chr17-78117637-G-A. GRCh37 (hg19) VCF-style: chr17-76113718-G-A.
Other names: c.2029C>T, p.Pro677Ser (NM_001321185.1, NM_001374596.1, NM_001375353.1 and 2 more transcripts); c.1849C>T, p.Pro617Ser (NM_001374593.1, NM_001374594.1); short protein forms P677S, P617S.
Identifiers: ClinVar variation 2900432 (VCV002900432.1), dbSNP rs1197288239, ClinGen allele CA401225622.
Genomic context (GRCh38, chr17:78,117,637, plus strand): 5'-ACACCCTGCCGGCCTCGTACATGGTGTCCAGGGTCCGGAAGGGGCCGCAGGTGCTCGAGG[G>A]CTTCACCCTGGGGAAGATGCCGACCAGGAACCCTCACCCCGAGCAACAGTTCACCCGGCT-3'
Protein context (NP_001120670.1, residues 667-687): FLCYAVWQVK[Pro677Ser]SSTCGPFRTL